The following is an entry in ClinVar:

ClinVar aggregate classification (germline): Conflicting classifications of pathogenicity. Review status: criteria provided, conflicting classifications (1 of 4 stars). 3 submissions from 3 submitters: Uncertain significance (2); Likely benign (1). Last evaluated 2026-01-12.

Conditions:
RAI1-related disorder. Also called: RAI1-related condition.
Inborn genetic diseases. Identifiers: MedGen C0950123, MeSH D030342.

Allele frequency attached by ClinVar (database versions not stated): TOPMed below 0.00001; gnomAD 0.00001.
gnomAD v4.1: 22 of 1,612,656 alleles (0.0014%); highest among the groups gnomAD compares: Non-Finnish European, 0.0019%; no homozygotes.

Submissions (3):

PreventionGenetics, part of Exact Sciences
Classification: Uncertain significance for RAI1-related condition. Last evaluated: 2026-01-12. Review status: criteria provided, single submitter. Criteria: ACMG Guidelines, 2015. Collection method: clinical testing. Allele origin: germline.
Comment: The RAI1 c.2711T>A variant is predicted to result in the amino acid substitution p.Val904Glu. To our knowledge, this variant has not been reported in the literature or in a large population database (gnomAD), indicating this variant is rare. At this time, the clinical significance of this variant is uncertain due to the absence of conclusive functional and genetic evidence.

Labcorp Genetics (formerly Invitae), Labcorp
Classification: Likely benign. Last evaluated: 2025-07-15. Review status: criteria provided, single submitter. Criteria: Invitae Variant Classification Sherloc (09022015). Collection method: clinical testing. Allele origin: germline.

Ambry Genetics
Classification: Uncertain significance for Inborn genetic diseases. Last evaluated: 2025-04-03. Review status: criteria provided, single submitter. Criteria: Ambry Variant Classification Scheme 2023. Collection method: clinical testing. Allele origin: germline.

NM_030665.4(RAI1):c.2711T>A (p.Val904Glu)

Gene: RAI1 (retinoic acid induced 1; plus strand). Cytogenetic location: 17p11.2.
Variant type: single nucleotide variant.
Coding change: c.2711T>A on transcript NM_030665.4 (MANE Select); coding-DNA position 2711, T replaced by A.
Protein change: p.Val904Glu; replaces valine 904 with glutamic acid.
Molecular consequence: missense variant.
Genome position (GRCh38, 1-based): chr17:17,795,659, T>A. VCF-style: chr17-17795659-T-A. GRCh37 (hg19) VCF-style: chr17-17698973-T-A.
Other names: c.2711T>A (NM_030665.3); short protein forms V904E.
Identifiers: ClinVar variation 1636212 (VCV001636212.10), dbSNP rs915858088, ClinGen allele CA288369993.